The following is an entry in ClinVar:

ClinVar aggregate classification (germline): Uncertain significance (1 of 4 stars; one submission).

Conditions:
Gastrointestinal stromal tumor. Also called: Gastrointestinal stromal tumor, somatic; Gastrointestinal stroma tumor. Identifiers: Orphanet 44890, MedGen C0238198, MeSH D046152, MONDO:0011719, OMIM 606764, HP:0100723.

Allele frequency attached by ClinVar (database versions not stated): TOPMed below 0.00001.

Submission:

Labcorp Genetics (formerly Invitae), Labcorp
Classification: Uncertain significance for Gastrointestinal stromal tumor. Last evaluated: 2023-01-30. Review status: criteria provided, single submitter. Criteria: Invitae Variant Classification Sherloc (09022015). Collection method: clinical testing. Allele origin: germline.
Comment: This sequence change replaces glutamine, which is neutral and polar, with arginine, which is basic and polar, at codon 515 of the KIT protein (p.Gln515Arg). This variant is not present in population databases (gnomAD no frequency). This variant has not been reported in the literature in individuals affected with KIT-related conditions. Algorithms developed to predict the effect of missense changes on protein structure and function (SIFT, PolyPhen-2, Align-GVGD) all suggest that this variant is likely to be tolerated. In summary, the available evidence is currently insufficient to determine the role of this variant in disease. Therefore, it has been classified as a Variant of Uncertain Significance.

NM_000222.3(KIT):c.1544A>G (p.Gln515Arg)

Gene: KIT (KIT proto-oncogene, receptor tyrosine kinase; plus strand). Cytogenetic location: 4q12.
Variant type: single nucleotide variant.
Coding change: c.1544A>G on transcript NM_000222.3 (MANE Select); coding-DNA position 1544, A replaced by G.
Protein change: p.Gln515Arg; replaces glutamine 515 with arginine.
Molecular consequence: missense variant.
Genome position (GRCh38, 1-based): chr4:54,727,221, A>G. VCF-style: chr4-54727221-A-G. GRCh37 (hg19) VCF-style: chr4-55593387-A-G.
Other names: c.1535A>G, p.Gln512Arg (NM_001385292.1, NM_001385288.1); c.1532A>G, p.Gln511Arg (NM_001093772.2, NM_001385286.1); c.1547A>G, p.Gln516Arg (NM_001385284.1, NM_001385290.1); c.1544A>G, p.Gln515Arg (NM_001385285.1); short protein forms Q511R, Q516R, Q512R, Q515R.
Identifiers: ClinVar variation 2745102 (VCV002745102.3), dbSNP rs1722279649, ClinGen allele CA356906852.